The following is an entry in ClinVar:

ClinVar aggregate classification (germline): Likely pathogenic. Review status: criteria provided, single submitter (1 of 4 stars). 2 submissions from 2 submitters: Likely pathogenic (1). 1 of the submissions does not count toward it. Last evaluated 2023-01-21.

Conditions:
Cataract 14 multiple types. Also called: CATARACT 14, ZONULAR PULVERULENT; CATARACT 14, NUCLEAR PULVERULENT; CATARACT 14, NUCLEAR PULVERULENT AND POSTERIOR POLAR; CATARACT 14, NUCLEAR CORALLIFORM; CATARACT 14, EMBRYONAL NUCLEAR; CATARACT 14, COPPOCK-LIKE. Identifiers: Orphanet 91492, MedGen C1866078, MONDO:0011162, OMIM 601885.

Submissions (2):

Dept. Genetics and Cancer, Menzies Institute for Medical Research, University of Tasmania
Classification: Likely pathogenic for Cataract 14 multiple types. Last evaluated: 2023-01-21. Review status: criteria provided, single submitter. Criteria: ACMG Guidelines, 2015. Collection method: curation. Allele origin: germline. Affected: yes.
Comment: Variant identified and curated during a GJA3 specific review of the literature in relation to pediatric or congenital cataract. ACMG-AMP criteria applied: PM1, PP1(Moderate), PS4(Supporting), PM2(Supporting), PP3. Original variant report: PMID:25148791;32808810. The cataract phenotype/s reported for this variant are: Y-sutural, lamellar, and nuclear. Gene review and curation guidelines are outlined in: DOI 10.1080/17469899.2023.2160320

Genomics England Pilot Project, Genomics England
Classification: Likely pathogenic for Cataract 14 multiple types. Review status: no assertion criteria provided. Criteria: ACGS Guidelines, 2016. Collection method: clinical testing. Allele origin: germline. Affected: yes. Not counted in ClinVar's aggregate classification.

Literature cited by the submitters: PubMed 25148791 (cited by Dept. Genetics and Cancer, Menzies Institute for Medical Research, University of Tasmania); PubMed 32808810 (cited by Dept. Genetics and Cancer, Menzies Institute for Medical Research, University of Tasmania).

NM_021954.4(GJA3):c.148T>C (p.Ser50Pro)

Gene: GJA3 (gap junction protein alpha 3; minus strand). Cytogenetic location: 13q12.11.
Variant type: single nucleotide variant.
Coding change: c.148T>C on transcript NM_021954.4 (MANE Select); coding-DNA position 148, T replaced by C.
Protein change: p.Ser50Pro; replaces serine 50 with proline.
Molecular consequence: missense variant.
Genome position (GRCh38, 1-based): chr13:20,143,141, A>G on the plus strand (T>C on the coding strand, the complement: GJA3 is on the minus strand). VCF-style: chr13-20143141-A-G. GRCh37 (hg19) VCF-style: chr13-20717280-A-G.
Other names: short protein forms S50P.
Identifiers: ClinVar variation 1184603 (VCV001184603.3), dbSNP rs2141138396, ClinGen allele CA387465557.